The following is an entry in ClinVar:

ClinVar aggregate classification (germline): Pathogenic (1 of 4 stars; one submission).

Submission:

Labcorp Genetics (formerly Invitae), Labcorp
Classification: Pathogenic. Last evaluated: 2024-01-25. Review status: criteria provided, single submitter. Criteria: Invitae Variant Classification Sherloc (09022015). Collection method: clinical testing. Allele origin: germline.
Comment: This sequence change creates a premature translational stop signal (p.Ser122Ilefs*10) in the NKX3-2 gene. It is expected to result in an absent or disrupted protein product. Loss-of-function variants in NKX3-2 are known to be pathogenic (PMID: 20004766). This variant is not present in population databases (gnomAD no frequency). This variant has not been reported in the literature in individuals affected with NKX3-2-related conditions. For these reasons, this variant has been classified as Pathogenic.

Literature cited by the submitters: PubMed 20004766.

NM_001189.4(NKX3-2):c.362dup (p.Ser122fs)

Gene: NKX3-2 (NK3 homeobox 2; minus strand). Cytogenetic location: 4p15.33.
Variant type: Duplication.
Coding change: c.362dup on transcript NM_001189.4 (MANE Select); coding-DNA position 362, one base duplicated (G; older notation c.362dupG).
Protein change: p.Ser122fs; shifts the reading frame from serine 122.
Molecular consequence: frameshift variant.
Genome position (GRCh38, 1-based): chr4:13,544,053, C duplicated on the plus strand (G on the coding strand, the reverse complement: NKX3-2 is on the minus strand); the first of 6 consecutive C bases (chr4:13,544,053-13,544,058); duplicating any one gives the same sequence. VCF-style (leftmost placement, unchanged base first): chr4-13544052-T-TC. GRCh37 (hg19) VCF-style: chr4-13545676-T-TC.
Other names: short protein forms S122fs.
Identifiers: ClinVar variation 3630732 (VCV003630732.2).